The following is an entry in ClinVar:

ClinVar aggregate classification (germline): Conflicting classifications of pathogenicity. Review status: criteria provided, conflicting classifications (1 of 4 stars). 2 submissions from 2 submitters: Uncertain significance (1); Benign (1). Last evaluated 2025-11-11.

Allele frequency attached by ClinVar (database versions not stated): gnomAD exomes 0.00002; TOPMed 0.00003; gnomAD 0.00003; ExAC 0.00004.
gnomAD v4.1: 29 of 1,204,755 alleles (0.0024%); highest among the groups gnomAD compares: Admixed American, 0.0044%; no homozygotes.

Submissions (2):

Labcorp Genetics (formerly Invitae), Labcorp
Classification: Benign. Last evaluated: 2025-11-11. Review status: criteria provided, single submitter. Criteria: Invitae Variant Classification Sherloc (09022015). Collection method: clinical testing. Allele origin: germline.

Dasa
Classification: Uncertain significance. Last evaluated: 2025-06-06. Review status: criteria provided, single submitter. Criteria: DASA Assertion Criteria. Collection method: clinical testing. Allele origin: germline.
Comment: NM_000291.4(PGK1):c.850G>A (p.Val284Ile) is a missense variant that results in the substitution of valine with isoleucine. This variant is rare in population databases. The currently available literature and clinical evidence are not sufficient to establish a definitive association between this variant and the reported condition. Therefore, this variant is classified as a variant of uncertain significance.

NM_000291.4(PGK1):c.850G>A (p.Val284Ile)

Gene: PGK1 (phosphoglycerate kinase 1; plus strand). Cytogenetic location: Xq21.1.
Variant type: single nucleotide variant.
Coding change: c.850G>A on transcript NM_000291.4 (MANE Select); coding-DNA position 850, G replaced by A.
Protein change: p.Val284Ile; replaces valine 284 with isoleucine.
Molecular consequence: missense variant.
Genome position (GRCh38, 1-based): chrX:78,123,288, G>A. VCF-style: chrX-78123288-G-A. GRCh37 (hg19) VCF-style: chrX-77378785-G-A.
Other names: short protein forms V284I.
Identifiers: ClinVar variation 2974582 (VCV002974582.5), dbSNP rs782317638, ClinGen allele CA10459779.